The following is an entry in ClinVar:

NM_001370259.2(MEN1):c.1089G>A (p.Glu363=)

Gene: MEN1 (menin 1; minus strand). Cytogenetic location: 11q13.1.
Variant type: single nucleotide variant.
Coding change: c.1089G>A on transcript NM_001370259.2 (MANE Select); coding-DNA position 1089, G replaced by A.
Protein change: p.Glu363=; no amino-acid change (glutamic acid 363 retained).
Molecular consequence: synonymous variant.
Genome position (GRCh38, 1-based): chr11:64,805,731, C>T on the plus strand (G>A on the coding strand, the complement: MEN1 is on the minus strand). VCF-style: chr11-64805731-C-T. GRCh37 (hg19) VCF-style: chr11-64573203-C-T.
Other names: c.1104G>A, p.Glu368= (NM_000244.4, NM_130800.3, NM_130801.3 and 3 more transcripts); c.1215G>A, p.Glu405= (NM_001370251.2); c.1089G>A, p.Glu363= (NM_001370260.2, NM_001370261.2, NM_130799.3); c.984G>A, p.Glu328= (NM_001370262.2, NM_001370263.2).
Identifiers: ClinVar variation 1618886 (VCV001618886.16), dbSNP rs2136110455, ClinGen allele CA474983140.

ClinVar aggregate classification (germline): Likely benign. Review status: criteria provided, multiple submitters, no conflicts (2 of 4 stars). 2 submissions from 2 submitters: Likely benign (2). Last evaluated 2025-08-01.

Conditions:
Multiple endocrine neoplasia, type 1 (MEN1). Also called: MEN I; WERMER SYNDROME; Endocrine adenomatosis multiple; MEN 1; MEA I. Identifiers: Orphanet 652, MedGen C0025267, MeSH D018761, MONDO:0007540, OMIM 131100.

gnomAD v4.1: 1 of 1,614,228 alleles (0.000062%); highest among the groups gnomAD compares: Non-Finnish European, 0.000085%; no homozygotes.

Submissions (2):

CeGaT Center for Human Genetics Tuebingen
Classification: Likely benign. Last evaluated: 2025-08-01. Review status: criteria provided, single submitter. Criteria: CeGaT Center For Human Genetics Tuebingen Variant Classification Criteria Version 2. Collection method: clinical testing. Allele origin: germline. Affected: yes. Observed: 1 variant allele.
Comment: MEN1: BP4, BP7

Labcorp Genetics (formerly Invitae), Labcorp
Classification: Likely benign for Multiple endocrine neoplasia, type 1. Last evaluated: 2024-01-25. Review status: criteria provided, single submitter. Criteria: Invitae Variant Classification Sherloc (09022015). Collection method: clinical testing. Allele origin: germline.